The following is an entry in ClinVar:

NC_000012.11:g.(?_53708062)_(53709586_?)del

Gene: AAAS (aladin WD repeat nucleoporin; minus strand). Cytogenetic location: 12q13.13.
Variant type: Deletion.
Identifiers: ClinVar variation 3244424 (VCV003244424.1).

ClinVar aggregate classification (germline): Pathogenic (1 of 4 stars; one submission).

Submission:

Labcorp Genetics (formerly Invitae), Labcorp
Classification: Pathogenic. Last evaluated: 2023-01-15. Review status: criteria provided, single submitter. Criteria: Invitae Variant Classification Sherloc (09022015). Collection method: clinical testing. Allele origin: unknown.
Comment: For these reasons, this variant has been classified as Pathogenic. This variant has not been reported in the literature in individuals affected with AAAS-related conditions. This variant is a gross deletion of the genomic region encompassing exon(s) 3-7 of the AAAS gene. It creates a premature translational stop signal (p.Trp84*) in the AAAS gene. It is expected to result in an absent or disrupted protein product. Loss-of-function variants in AAAS are known to be pathogenic (PMID: 11159947).

Literature cited by the submitters: PubMed 11159947.